The following is an entry in ClinVar:

NM_000038.6(APC):c.5996del (p.Pro1999fs)

Gene: APC (APC regulator of Wnt signaling pathway; plus strand). Cytogenetic location: 5q22.2.
Variant type: Deletion.
Coding change: c.5996del on transcript NM_000038.6 (MANE Select); coding-DNA position 5996, one base deleted (C; older notation c.5996delC).
Protein change: p.Pro1999fs; shifts the reading frame from proline 1999.
Molecular consequence: frameshift variant.
Genome position (GRCh38, 1-based): chr5:112,841,590, C deleted; the last of 2 consecutive C bases (chr5:112,841,589-112,841,590); deleting either gives the same sequence. VCF-style (leftmost placement, unchanged base first): chr5-112841588-AC-A. GRCh37 (hg19) VCF-style: chr5-112177285-AC-A.
Other names: c.5996del, p.Pro1999fs (NM_001127510.3, NM_001354895.2); c.5942del, p.Pro1981fs (NM_001127511.3); c.6050del, p.Pro2017fs (NM_001354896.2); c.6026del, p.Pro2009fs (NM_001354897.2); c.5921del, p.Pro1974fs (NM_001354898.2); c.5912del, p.Pro1971fs (NM_001354899.2); c.5873del, p.Pro1958fs (NM_001354900.2); c.5819del, p.Pro1940fs (NM_001354901.2); and 5 more; short protein forms P1716fs, P1958fs, P2009fs, P2017fs, P1839fs, P1898fs, P1908fs, P1940fs.
Identifiers: ClinVar variation 217999 (VCV000217999.9), dbSNP rs863225369, ClinGen allele CA279688.

ClinVar aggregate classification (germline): Pathogenic. Review status: criteria provided, multiple submitters, no conflicts (2 of 4 stars). 3 submissions from 3 submitters: Pathogenic (2). 1 of the submissions does not count toward it. Last evaluated 2025-07-08.

Conditions:
Hereditary cancer-predisposing syndrome. Also called: Hereditary Cancer Syndrome; Hereditary neoplastic syndrome; Neoplastic Syndromes, Hereditary; Tumor predisposition. Identifiers: Orphanet 140162, MedGen C0027672, MeSH D009386, MONDO:0015356.
Familial adenomatous polyposis 1 (FAP1). Also called: FAMILIAL ADENOMATOUS POLYPOSIS 1, ATTENUATED; POLYPOSIS, ADENOMATOUS INTESTINAL. Identifiers: MedGen C2713442, MONDO:0021056, OMIM 175100. Disease mechanism: loss of function.

Submissions (3):

Ambry Genetics
Classification: Pathogenic for Hereditary cancer-predisposing syndrome. Last evaluated: 2025-07-08. Review status: criteria provided, single submitter. Criteria: Ambry Variant Classification Scheme 2023. Collection method: clinical testing. Allele origin: germline.
Comment: The c.5996delC pathogenic mutation, located in coding exon 15 of the APC gene, results from a deletion of one nucleotide at nucleotide position 5996, causing a translational frameshift with a predicted alternate stop codon (p.P1999Qfs*45). This alteration occurs at the 3' terminus of theAPC gene, is not expected to trigger nonsense-mediated mRNA decay, and impacts the last 30% of the protein. However, premature stop codons are typically deleterious in nature and a significant portion of the protein is affected and the impacted region is critical for protein function (Ambry internal data). This variant was reported in individual(s) with features consistent with APC-related familial adenomatous polyposis (Su LK et al. Hum. Genet. 2000 Jan; 106(1):101-7). This variant is considered to be rare based on population cohorts in the Genome Aggregation Database (gnomAD). Based on the supporting evidence, this variant is interpreted as a disease-causing mutation.

Myriad Genetics, Inc.
Classification: Pathogenic for Familial adenomatous polyposis 1. Last evaluated: 2023-05-15. Review status: criteria provided, single submitter. Criteria: Myriad Autosomal Dominant, Autosomal Recessive and X-Linked Classification Criteria (2023). Collection method: clinical testing. Allele origin: unknown.
Comment: This variant is considered pathogenic. This variant creates a frameshift predicted to result in premature protein truncation.

Mayo Clinic Laboratories, Mayo Clinic
Classification: Likely pathogenic. Review status: no assertion criteria provided. Collection method: research. Allele origin: unknown. Observed: 1 variant allele. Not counted in ClinVar's aggregate classification.

Literature cited by the submitters: PubMed 10982189 (cited by Ambry Genetics).